The following is an entry in ClinVar:

ClinVar aggregate classification (germline): Pathogenic (1 of 4 stars; one submission).

Conditions:
Mucopolysaccharidosis, MPS-III-C (MPS3C). Also called: MPS III C; MUCOPOLYSACCHARIDOSIS, TYPE IIIC; Mucopolysaccharidosis type IIIC (Sanfilippo C); mucopolysaccharidosis type 3C; MPS IIIC (Sanfilippo Syndrome Type C); SANFILIPPO SYNDROME C. Identifiers: Orphanet 581, Orphanet 79271, MedGen C0086649, MONDO:0009657, OMIM 252930.

Submission:

Myriad Genetics, Inc.
Classification: Pathogenic for Mucopolysaccharidosis, MPS-III-C. Last evaluated: 2024-06-25. Review status: criteria provided, single submitter. Criteria: Myriad Autosomal Dominant, Autosomal Recessive and X-Linked Classification Criteria (2023). Collection method: clinical testing. Allele origin: unknown.
Comment: NM_152419.2(HGSNAT):c.775delT(Y259Mfs*17) is expected to be pathogenic in the context of mucopolysaccharidosis type IIIC. This variant is predicted to lead to an abnormal or absent protein product due to the creation of a premature termination codon in HGSNAT, a gene where loss-of-function variants are known to be pathogenic. Please note: this variant was assessed in the context of healthy population screening.

NM_152419.3(HGSNAT):c.775del (p.Tyr259fs)

Gene: HGSNAT (heparan-alpha-glucosaminide N-acetyltransferase; plus strand). Cytogenetic location: 8p11.21.
Variant type: Deletion.
Coding change: c.775del on transcript NM_152419.3 (MANE Select); coding-DNA position 775, one base deleted (T; older notation c.775delT).
Protein change: p.Tyr259fs; shifts the reading frame from tyrosine 259.
Molecular consequence: frameshift variant. On other transcripts: 5 prime UTR variant (1).
Genome position (GRCh38, 1-based): chr8:43,172,341, T deleted; the last of 2 consecutive T bases (chr8:43,172,340-43,172,341); deleting either gives the same sequence. VCF-style (leftmost placement, unchanged base first): chr8-43172339-AT-A. GRCh37 (hg19) VCF-style: chr8-43027482-AT-A.
Other names: c.775del, p.Tyr259fs (NM_001363227.2, NM_001363228.2); c.-59del (NM_001363229.2); short protein forms Y259fs.
Identifiers: ClinVar variation 5013238 (VCV005013238.1).